The following is an entry in ClinVar:

NM_205768.3(ZBTB18):c.1083G>C (p.Glu361Asp)

Gene: ZBTB18 (zinc finger and BTB domain containing 18; plus strand). Cytogenetic location: 1q44.
Variant type: single nucleotide variant.
Coding change: c.1083G>C on transcript NM_205768.3 (MANE Select); coding-DNA position 1083, G replaced by C.
Protein change: p.Glu361Asp; replaces glutamic acid 361 with aspartic acid.
Molecular consequence: missense variant. On other transcripts: 3 prime UTR variant (1).
Genome position (GRCh38, 1-based): chr1:244,054,857, G>C. VCF-style: chr1-244054857-G-C. GRCh37 (hg19) VCF-style: chr1-244218159-G-C.
Other names: c.1083G>C (NM_205768.2); c.1056G>C, p.Glu352Asp (NM_001278196.2, NM_006352.5); c.*260G>C (NM_001421566.1); short protein forms E352D, E361D.
Identifiers: ClinVar variation 2855630 (VCV002855630.6), dbSNP rs551249844, ClinGen allele CA1484389.

ClinVar aggregate classification (germline): Benign/Likely benign. Review status: criteria provided, multiple submitters, no conflicts (2 of 4 stars). 3 submissions from 3 submitters: Benign (1); Likely benign (1). 1 of the submissions does not count toward it. Last evaluated 2024-06-05.

Conditions:
ZBTB18-related disorder. Also called: ZBTB18-related condition.

Allele frequency attached by ClinVar (database versions not stated): gnomAD 0.00007; 1000 Genomes Project 30x 0.00016; 1000 Genomes Project 0.00020; ExAC 0.00024.

Submissions (3):

Labcorp Genetics (formerly Invitae), Labcorp
Classification: Benign. Last evaluated: 2024-06-05. Review status: criteria provided, single submitter. Criteria: Invitae Variant Classification Sherloc (09022015). Collection method: clinical testing. Allele origin: germline.

Blueprint Genetics
Classification: Likely benign. Last evaluated: 2020-10-09. Review status: criteria provided, single submitter. Criteria: ACMG Guidelines, 2015. Collection method: clinical testing. Allele origin: germline.

PreventionGenetics, part of Exact Sciences
Classification: Likely benign for ZBTB18-related condition. Last evaluated: 2022-09-13. Review status: no assertion criteria provided. Collection method: clinical testing. Allele origin: germline. Not counted in ClinVar's aggregate classification.
Comment: This variant is classified as likely benign based on ACMG/AMP sequence variant interpretation guidelines (Richards et al. 2015 PMID: 25741868, with internal and published modifications).